The following is an entry in ClinVar:

NM_001130823.3(DNMT1):c.1066G>T (p.Ala356Ser)

Gene: DNMT1 (DNA methyltransferase 1; minus strand). Cytogenetic location: 19p13.2.
Variant type: single nucleotide variant.
Coding change: c.1066G>T on transcript NM_001130823.3 (MANE Select); coding-DNA position 1066, G replaced by T.
Protein change: p.Ala356Ser; replaces alanine 356 with serine.
Molecular consequence: missense variant.
Genome position (GRCh38, 1-based): chr19:10,160,041, C>A on the plus strand (G>T on the coding strand, the complement: DNMT1 is on the minus strand). VCF-style: chr19-10160041-C-A. GRCh37 (hg19) VCF-style: chr19-10270717-C-A.
Other names: c.1066G>T (LRG_362t1); c.1018G>T, p.Ala340Ser (NM_001318730.2, NM_001379.4); c.703G>T, p.Ala235Ser (NM_001318731.2); short protein forms A235S, A356S, A340S.
Identifiers: ClinVar variation 657897 (VCV000657897.8), dbSNP rs529074384, ClinGen allele CA403940095.

ClinVar aggregate classification (germline): Uncertain significance (1 of 4 stars; one submission).

Conditions:
Hereditary sensory neuropathy-deafness-dementia syndrome. Also called: Hereditary Sensory and Autonomic Neuropathy Type 1E (HSAN1E); NEUROPATHY, HEREDITARY SENSORY, WITH HEARING LOSS AND DEMENTIA; HSN IE; Hereditary sensory neuropathy type IE. Identifiers: Orphanet 456318, MedGen C3279885, MONDO:0013584, OMIM 614116.

Allele frequency attached by ClinVar (database versions not stated): gnomAD 0.00001.
gnomAD v4.1: 4 of 1,609,294 alleles (0.00025%); highest among the groups gnomAD compares: African/African-American, 0.0014%; no homozygotes.

Submission:

Labcorp Genetics (formerly Invitae), Labcorp
Classification: Uncertain significance for Hereditary sensory neuropathy-deafness-dementia syndrome. Last evaluated: 2024-02-12. Review status: criteria provided, single submitter. Criteria: Invitae Variant Classification Sherloc (09022015). Collection method: clinical testing. Allele origin: germline.
Comment: This sequence change replaces alanine, which is neutral and non-polar, with serine, which is neutral and polar, at codon 356 of the DNMT1 protein (p.Ala356Ser). This variant is not present in population databases (gnomAD no frequency). This variant has not been reported in the literature in individuals affected with DNMT1-related conditions. ClinVar contains an entry for this variant (Variation ID: 657897). Advanced modeling of protein sequence and biophysical properties (such as structural, functional, and spatial information, amino acid conservation, physicochemical variation, residue mobility, and thermodynamic stability) performed at Invitae indicates that this missense variant is not expected to disrupt DNMT1 protein function with a negative predictive value of 80%. In summary, the available evidence is currently insufficient to determine the role of this variant in disease. Therefore, it has been classified as a Variant of Uncertain Significance.